The following is an entry in ClinVar:

ClinVar aggregate classification (germline): Uncertain significance. Review status: criteria provided, multiple submitters, no conflicts (2 of 4 stars). 2 submissions from 2 submitters: Uncertain significance (2). Last evaluated 2026-02-13.

Conditions:
Duchenne muscular dystrophy (DMD). Also called: MUSCULAR DYSTROPHY, PSEUDOHYPERTROPHIC PROGRESSIVE, DUCHENNE TYPE; Duchenne Muscular Dystrophy (DMD). Identifiers: Orphanet 98896, MedGen C0013264, MONDO:0010679, OMIM 310200.
Cardiovascular phenotype. Identifiers: MedGen CN230736.

gnomAD v4.1: 2 of 1,202,501 alleles (0.00017%); highest among the groups gnomAD compares: South Asian, 0.0018%; no homozygotes.

Submissions (2):

Ambry Genetics
Classification: Uncertain significance for Cardiovascular phenotype. Last evaluated: 2026-02-13. Review status: criteria provided, single submitter. Criteria: Ambry Variant Classification Scheme 2023. Collection method: clinical testing. Allele origin: germline.
Comment: The p.V514M variant (also known as c.1540G>A), located in coding exon 13 of the DMD gene, results from a G to A substitution at nucleotide position 1540. The valine at codon 514 is replaced by methionine, an amino acid with highly similar properties. This amino acid position is highly conserved in available vertebrate species. In addition, the in silico prediction for this alteration is inconclusive. Based on data from gnomAD, the A allele has an overall frequency of 0.0005% (1/183246) total alleles studied, with no hemizygote(s) observed. The highest observed frequency was 0.0053% (1/19015) of South Asian alleles. Based on the available evidence, the clinical significance of this variant remains unclear.

Labcorp Genetics (formerly Invitae), Labcorp
Classification: Uncertain significance for Duchenne muscular dystrophy. Last evaluated: 2026-01-06. Review status: criteria provided, single submitter. Criteria: Invitae Variant Classification Sherloc (09022015). Collection method: clinical testing. Allele origin: germline.
Comment: This sequence change replaces valine, which is neutral and non-polar, with methionine, which is neutral and non-polar, at codon 514 of the DMD protein (p.Val514Met). This variant is present in population databases (no rsID available, gnomAD 0.005%). This variant has not been reported in the literature in individuals affected with DMD-related conditions. Invitae Evidence Modeling of protein sequence and biophysical properties (such as structural, functional, and spatial information, amino acid conservation, physicochemical variation, residue mobility, and thermodynamic stability) indicates that this missense variant is not expected to disrupt DMD protein function with a negative predictive value of 95%. In summary, the available evidence is currently insufficient to determine the role of this variant in disease. Therefore, it has been classified as a Variant of Uncertain Significance.

NM_004006.3(DMD):c.1540G>A (p.Val514Met)

Gene: DMD (dystrophin; minus strand). Cytogenetic location: Xp21.1.
Variant type: single nucleotide variant.
Coding change: c.1540G>A on transcript NM_004006.3 (MANE Select); coding-DNA position 1540, G replaced by A.
Protein change: p.Val514Met; replaces valine 514 with methionine.
Molecular consequence: missense variant.
Genome position (GRCh38, 1-based): chrX:32,595,819, C>T on the plus strand (G>A on the coding strand, the complement: DMD is on the minus strand). VCF-style: chrX-32595819-C-T. GRCh37 (hg19) VCF-style: chrX-32613936-C-T.
Other names: c.1516G>A, p.Val506Met (NM_000109.4); c.1528G>A, p.Val510Met (NM_004009.3); c.1171G>A, p.Val391Met (NM_004010.3); short protein forms V506M, V510M, V391M, V514M.
Identifiers: ClinVar variation 4751996 (VCV004751996.2).